The following is an entry in ClinVar:

NM_032578.4(MYPN):c.3819G>T (p.Pro1273=)

Gene: MYPN (myopalladin; plus strand). Cytogenetic location: 10q21.3.
Variant type: single nucleotide variant.
Coding change: c.3819G>T on transcript NM_032578.4 (MANE Select); coding-DNA position 3819, G replaced by T.
Protein change: p.Pro1273=; no amino-acid change (proline 1273 retained).
Molecular consequence: synonymous variant. On other transcripts: non-coding transcript variant (2).
Genome position (GRCh38, 1-based): chr10:68,210,311, G>T. VCF-style: chr10-68210311-G-T. GRCh37 (hg19) VCF-style: chr10-69970068-G-T.
Other names: c.3819G>T, p.Pro1273= (NM_001256267.2); c.2937G>T, p.Pro979= (NM_001256268.2).
Identifiers: ClinVar variation 5025308 (VCV005025308.1).

ClinVar aggregate classification (germline): Uncertain significance (1 of 4 stars; one submission).

Conditions:
Cardiovascular phenotype. Identifiers: MedGen CN230736.

gnomAD v4.1: 1 of 1,613,734 alleles (0.000062%); no homozygotes.

Submission:

Ambry Genetics
Classification: Uncertain significance for Cardiovascular phenotype. Last evaluated: 2026-08-14. Review status: criteria provided, single submitter. Criteria: Ambry Variant Classification Scheme 2023. Collection method: clinical testing. Allele origin: germline.
Comment: The c.3819G>T variant (also known as p.P1273P), located in coding exon 19 of the MYPN gene, results from a G to T substitution at nucleotide position 3819. This nucleotide substitution does not change the amino acid at codon 1273. This nucleotide position is poorly conserved in available vertebrate species. In silico splice site analysis for this alteration is inconclusive. Based on the available evidence, the clinical significance of this variant remains unclear.